The following is an entry in ClinVar:

NM_000059.4(BRCA2):c.2372_2381del (p.Ser791fs)

Gene: BRCA2 (BRCA2 DNA repair associated; plus strand). Cytogenetic location: 13q13.1.
Variant type: Deletion.
Coding change: c.2372_2381del on transcript NM_000059.4 (MANE Select); coding-DNA positions 2372 to 2381, 10 bases deleted (CATACAAAAT; older notation c.2372_2381delCATACAAAAT).
Protein change: p.Ser791fs; shifts the reading frame from serine 791.
Molecular consequence: frameshift variant.
Genome position (GRCh38, 1-based): chr13:32,336,727-32,336,736, CATACAAAAT deleted; deleting any 10 consecutive bases within chr13:32,336,724-32,336,736 gives the same sequence; the c. name uses the placement nearest the transcript's 3' end. VCF-style (leftmost placement, unchanged base first): chr13-32336723-GAATCATACAA-G. GRCh37 (hg19) VCF-style: chr13-32910860-GAATCATACAA-G.
Other names: c.2372_2381delCATACAAAAT (NM_000059.4); c.2372_2381del10 (NM_000059.3); short protein forms S791fs.
Identifiers: ClinVar variation 1076307 (VCV001076307.10), dbSNP rs2137485789, ClinGen allele CA2499222103.
Genomic context (GRCh38, chr13:32,336,723, plus strand): 5'-ATTTTAACTCCTACTTCCAAGGATGTTCTGTCAAACCTAGTCATGATTTCTAGAGGCAAA[GAATCATACAA>G]AATGTCAGACAAGCTCAAAGGTAACAATTATGAATCTGATGTTGAATTAACCAAAAATAT-3'

ClinVar aggregate classification (germline): Pathogenic/Likely pathogenic. Review status: criteria provided, multiple submitters, no conflicts (2 of 4 stars). 3 submissions from 3 submitters: Pathogenic (2); Likely pathogenic (1). Last evaluated 2026-02-04.

Conditions:
Hereditary cancer-predisposing syndrome. Also called: Hereditary Cancer Syndrome; Neoplastic Syndromes, Hereditary; Tumor predisposition; Hereditary neoplastic syndrome. Identifiers: Orphanet 140162, MedGen C0027672, MeSH D009386, MONDO:0015356.
Hereditary breast ovarian cancer syndrome. Also called: Breast and ovarian cancer; Hereditary breast and ovarian cancer; Hereditary breast and ovarian cancer syndrome (HBOC); BRCA1- and BRCA2-Associated Hereditary Breast and Ovarian Cancer; Hereditary breast and ovarian cancer syndrome; Hereditary breast and/or ovarian cancer syndrome. Identifiers: Orphanet 145, MedGen C0677776, MeSH D061325, MONDO:0003582. Disease mechanism: loss of function.

Submissions (3):

Ambry Genetics
Classification: Pathogenic for Hereditary cancer-predisposing syndrome. Last evaluated: 2026-02-04. Review status: criteria provided, single submitter. Criteria: Ambry Variant Classification Scheme 2023. Collection method: clinical testing. Allele origin: germline.
Comment: The c.2372_2381del10 pathogenic mutation, located in coding exon 10 of the BRCA2 gene, results from a deletion of 10 nucleotides at nucleotide positions 2372 to 2381, causing a translational frameshift with a predicted alternate stop codon (p.S791Cfs*16). This variant is considered to be rare based on population cohorts in the Genome Aggregation Database (gnomAD). This alteration is expected to result in loss of function by premature protein truncation or nonsense-mediated mRNA decay. As such, this alteration is interpreted as a disease-causing mutation.

Labcorp Genetics (formerly Invitae), Labcorp
Classification: Pathogenic for Hereditary breast ovarian cancer syndrome. Last evaluated: 2022-01-27. Review status: criteria provided, single submitter. Criteria: Invitae Variant Classification Sherloc (09022015). Collection method: clinical testing. Allele origin: germline.
Comment: ClinVar contains an entry for this variant (Variation ID: 1076307). For these reasons, this variant has been classified as Pathogenic. This variant has not been reported in the literature in individuals affected with BRCA2-related conditions. This sequence change creates a premature translational stop signal (p.Ser791Cysfs*16) in the BRCA2 gene. It is expected to result in an absent or disrupted protein product. Loss-of-function variants in BRCA2 are known to be pathogenic (PMID: 20104584). This variant is not present in population databases (gnomAD no frequency).

Breast Care Center, Daerim St. Mary`s Hospital
Classification: Likely pathogenic for Hereditary cancer-predisposing syndrome. Last evaluated: 2020-12-03. Review status: criteria provided, single submitter. Criteria: ACMG Guidelines, 2015. Collection method: clinical testing. Allele origin: germline. Inheritance: Autosomal dominant inheritance. Affected: no. Observed: 1 heterozygote.
Comment: The BRCA2:c.2372_2381delCATACAAAAT, (p.Ser791fs) variant was located in coding exon 11 of the BRCA2 gene. This deletion results in a frameshift, causing NMD(nonsense-mediated mRNA decay) and loss-of function. This type of variant is a known mechanism of disease. Additionally, this null variant is not found in the gnomAD population databases. The previous classification in ClinVar is as a pathogenic variant.

Literature cited by the submitters: PubMed 20104584 (cited by Labcorp Genetics (formerly Invitae), Labcorp).